The following is an entry in ClinVar:

ClinVar aggregate classification (germline): Uncertain significance. Review status: criteria provided, multiple submitters, no conflicts (2 of 4 stars). 2 submissions from 2 submitters: Uncertain significance (2). Last evaluated 2024-08-19.

Conditions:
Hereditary cancer-predisposing syndrome. Also called: Hereditary Cancer Syndrome; Hereditary neoplastic syndrome; Tumor predisposition; Neoplastic Syndromes, Hereditary. Identifiers: Orphanet 140162, MedGen C0027672, MeSH D009386, MONDO:0015356.
Cardiovascular phenotype. Identifiers: MedGen CN230736.

gnomAD v4.1: 1 of 1,613,894 alleles (0.000062%); highest among the groups gnomAD compares: Non-Finnish European, 0.000085%; no homozygotes.

Submissions (2):

Labcorp Genetics (formerly Invitae), Labcorp
Classification: Uncertain significance. Last evaluated: 2024-08-19. Review status: criteria provided, single submitter. Criteria: Invitae Variant Classification Sherloc (09022015). Collection method: clinical testing. Allele origin: germline.
Comment: This sequence change replaces isoleucine, which is neutral and non-polar, with phenylalanine, which is neutral and non-polar, at codon 820 of the LZTR1 protein (p.Ile820Phe). This variant is not present in population databases (gnomAD no frequency). This variant has not been reported in the literature in individuals affected with LZTR1-related conditions. ClinVar contains an entry for this variant (Variation ID: 1791570). Invitae Evidence Modeling of protein sequence and biophysical properties (such as structural, functional, and spatial information, amino acid conservation, physicochemical variation, residue mobility, and thermodynamic stability) indicates that this missense variant is not expected to disrupt LZTR1 protein function with a negative predictive value of 80%. In summary, the available evidence is currently insufficient to determine the role of this variant in disease. Therefore, it has been classified as a Variant of Uncertain Significance.

Ambry Genetics
Classification: Uncertain significance for Cardiovascular phenotype; Hereditary cancer-predisposing syndrome. Last evaluated: 2022-08-04. Review status: criteria provided, single submitter. Criteria: Ambry Variant Classification Scheme 2023. Collection method: clinical testing. Allele origin: germline.
Comment: The p.I820F variant (also known as c.2458A>T), located in coding exon 21 of the LZTR1 gene, results from an A to T substitution at nucleotide position 2458. The isoleucine at codon 820 is replaced by phenylalanine, an amino acid with highly similar properties. This amino acid position is conserved. In addition, the in silico prediction for this alteration is inconclusive. Since supporting evidence is limited at this time, the clinical significance of this alteration remains unclear.

NM_006767.4(LZTR1):c.2458A>T (p.Ile820Phe)

Gene: LZTR1 (leucine zipper like post translational regulator 1; plus strand). Cytogenetic location: 22q11.21.
Variant type: single nucleotide variant.
Coding change: c.2458A>T on transcript NM_006767.4 (MANE Select); coding-DNA position 2458, A replaced by T.
Protein change: p.Ile820Phe; replaces isoleucine 820 with phenylalanine.
Molecular consequence: missense variant.
Genome position (GRCh38, 1-based): chr22:20,997,283, A>T. VCF-style: chr22-20997283-A-T. GRCh37 (hg19) VCF-style: chr22-21351572-A-T.
Other names: short protein forms I820F.
Identifiers: ClinVar variation 1791570 (VCV001791570.4), dbSNP rs1924898949, ClinGen allele CA410781699.